The following is an entry in ClinVar:

ClinVar aggregate classification (germline): Likely benign. Review status: criteria provided, multiple submitters, no conflicts (2 of 4 stars). 3 submissions from 3 submitters: Likely benign (3). Last evaluated 2026-01-21.

Conditions:
Developmental and epileptic encephalopathy, 25 (DEE25). Also called: Epileptic encephalopathy, early infantile, 25; Developmental and epileptic encephalopathy 25, with amelogenesis imperfecta; Epileptic encephalopathy, early infantile, 25, with amelogenesis imperfecta. Identifiers: Orphanet 442835, MedGen C4014621, MONDO:0014392, OMIM 615905.

Allele frequency attached by ClinVar (database versions not stated): TOPMed 0.00010; gnomAD 0.00012 and 0.00013; ESP Exome Variant Server 0.00015; ExAC 0.00017; gnomAD exomes 0.00018 and 0.00019.
gnomAD v4.1: 278 of 1,613,138 alleles (0.017%); highest among the groups gnomAD compares: Non-Finnish European, 0.019%; no homozygotes.

Submissions (3):

Labcorp Genetics (formerly Invitae), Labcorp
Classification: Likely benign for Developmental and epileptic encephalopathy, 25. Last evaluated: 2026-01-21. Review status: criteria provided, single submitter. Criteria: Invitae Variant Classification Sherloc (09022015). Collection method: clinical testing. Allele origin: germline.

Blueprint Genetics
Classification: Likely benign. Last evaluated: 2024-10-23. Review status: criteria provided, single submitter. Criteria: ACMG Guidelines, 2015. Collection method: clinical testing. Allele origin: germline.

GeneDx
Classification: Likely benign. Last evaluated: 2017-11-15. Review status: criteria provided, single submitter. Criteria: GeneDx Variant Classification (06012015). Collection method: clinical testing. Allele origin: germline. Affected: yes.
Comment: This variant is considered likely benign or benign based on one or more of the following criteria: it is a conservative change, it occurs at a poorly conserved position in the protein, it is predicted to be benign by multiple in silico algorithms, and/or has population frequency not consistent with disease.

NM_177550.5(SLC13A5):c.103-15G>A

Gene: SLC13A5 (solute carrier family 13 member 5; minus strand). Cytogenetic location: 17p13.1.
Variant type: single nucleotide variant.
Coding change: c.103-15G>A on transcript NM_177550.5 (MANE Select); 15 bases into the intron before coding-DNA position 103, G replaced by A.
Molecular consequence: intron variant.
Genome position (GRCh38, 1-based): chr17:6,707,171, C>T on the plus strand (G>A on the coding strand, the complement: SLC13A5 is on the minus strand). VCF-style: chr17-6707171-C-T. GRCh37 (hg19) VCF-style: chr17-6610490-C-T.
Other names: c.103-393G>A (NM_001284510.2); c.103-15G>A (NM_001284509.2, NM_001143838.3).
Identifiers: ClinVar variation 506727 (VCV000506727.10), dbSNP rs374410291, ClinGen allele CA8331867.